The following is an entry in ClinVar:

ClinVar aggregate classification (germline): Uncertain significance (1 of 4 stars; one submission).

Submission:

GeneDx
Classification: Uncertain significance. Last evaluated: 2026-02-05. Review status: criteria provided, single submitter. Criteria: GeneDx Variant Classification Process June 2021. Collection method: clinical testing. Allele origin: germline.
Comment: Not observed at significant frequency in large population cohorts (gnomAD); In silico analysis supports that this missense variant has a deleterious effect on protein structure/function; Has not been previously published as pathogenic or benign to our knowledge

NM_000701.8(ATP1A1):c.1366C>T (p.Leu456Phe)

Genes: ATP1A1 (ATPase Na+/K+ transporting subunit alpha 1; plus strand), ATP1A1-AS1 (ATP1A1 antisense RNA 1; minus strand). Cytogenetic location: 1p13.1.
Variant type: single nucleotide variant.
Coding change: c.1366C>T on transcript NM_000701.8 (MANE Select); coding-DNA position 1366, C replaced by T.
Protein change: p.Leu456Phe; replaces leucine 456 with phenylalanine.
Molecular consequence: missense variant. On other transcripts: non-coding transcript variant (1).
Genome position (GRCh38, 1-based): chr1:116,392,887, C>T. VCF-style: chr1-116392887-C-T. GRCh37 (hg19) VCF-style: chr1-116935509-C-T.
Other names: c.1366C>T, p.Leu456Phe (NM_001160233.2); c.1273C>T, p.Leu425Phe (NM_001160234.2); short protein forms L425F, L456F.
Identifiers: ClinVar variation 4975207 (VCV004975207.1).
Genomic context (GRCh38, chr1:116,392,887, plus strand): 5'-ATTTACAGATGATGTCTCTGTTCACAGCGGGCAGTTGCAGGAGATGCCTCTGAGTCAGCA[C>T]TCTTAAAGTGCATAGAGCTGTGCTGTGGTTCCGTGAAGGAGATGAGAGAAAGATACGCCA-3'
Protein context (NP_000692.2, residues 446-466): AVAGDASESA[Leu456Phe]LKCIELCCGS